The following is an entry in ClinVar:

NM_033131.4(WNT3A):c.964C>T (p.Arg322Trp)

Gene: WNT3A (Wnt family member 3A; plus strand). Cytogenetic location: 1q42.13.
Variant type: single nucleotide variant.
Coding change: c.964C>T on transcript NM_033131.4 (MANE Select); coding-DNA position 964, C replaced by T.
Protein change: p.Arg322Trp; replaces arginine 322 with tryptophan.
Molecular consequence: missense variant.
Genome position (GRCh38, 1-based): chr1:228,059,370, C>T. VCF-style: chr1-228059370-C-T. GRCh37 (hg19) VCF-style: chr1-228247071-C-T.
Other names: short protein forms R322W.
Identifiers: ClinVar variation 3638567 (VCV003638567.2).

ClinVar aggregate classification (germline): Uncertain significance (1 of 4 stars; one submission).

Submission:

Labcorp Genetics (formerly Invitae), Labcorp
Classification: Uncertain significance. Last evaluated: 2024-02-03. Review status: criteria provided, single submitter. Criteria: Invitae Variant Classification Sherloc (09022015). Collection method: clinical testing. Allele origin: germline.
Comment: This sequence change replaces arginine, which is basic and polar, with tryptophan, which is neutral and slightly polar, at codon 322 of the WNT3A protein (p.Arg322Trp). This variant is not present in population databases (gnomAD no frequency). This variant has not been reported in the literature in individuals affected with WNT3A-related conditions. Advanced modeling of protein sequence and biophysical properties (such as structural, functional, and spatial information, amino acid conservation, physicochemical variation, residue mobility, and thermodynamic stability) performed at Invitae indicates that this missense variant is not expected to disrupt WNT3A protein function with a negative predictive value of 80%. In summary, the available evidence is currently insufficient to determine the role of this variant in disease. Therefore, it has been classified as a Variant of Uncertain Significance.